The following is an entry in ClinVar:

ClinVar aggregate classification (germline): Conflicting classifications of pathogenicity. Review status: criteria provided, conflicting classifications (1 of 4 stars). 11 submissions from 11 submitters: Uncertain significance (6); Likely benign (3). 2 of the submissions do not count toward it. Last evaluated 2026-01-19.

Conditions:
Hereditary cancer-predisposing syndrome. Also called: Hereditary Cancer Syndrome; Hereditary neoplastic syndrome; Neoplastic Syndromes, Hereditary; Tumor predisposition. Identifiers: Orphanet 140162, MedGen C0027672, MeSH D009386, MONDO:0015356.
Hereditary breast ovarian cancer syndrome. Also called: BRCA1- and BRCA2-Associated Hereditary Breast and Ovarian Cancer; Hereditary breast and ovarian cancer syndrome; Hereditary breast and ovarian cancer syndrome (HBOC); Breast and ovarian cancer; Hereditary breast and/or ovarian cancer syndrome; Hereditary breast and ovarian cancer. Identifiers: Orphanet 145, MedGen C0677776, MeSH D061325, MONDO:0003582. Disease mechanism: loss of function.
Breast-ovarian cancer, familial, susceptibility to, 1 (BROVCA1). Also called: BRCA1 Hereditary Breast and Ovarian Cancer; OVARIAN CANCER, SUSCEPTIBILITY TO. Identifiers: Orphanet 145, MedGen C2676676, MONDO:0011450, OMIM 604370. Disease mechanism: loss of function.
BRCA1-related disorder. Also called: BRCA1-related condition.

gnomAD v4.1: 25 of 1,614,034 alleles (0.0015%); highest among the groups gnomAD compares: Non-Finnish European, 0.002%; no homozygotes.

Submissions (11):

Labcorp Genetics (formerly Invitae), Labcorp
Classification: Uncertain significance for Hereditary breast ovarian cancer syndrome. Last evaluated: 2026-01-19. Review status: criteria provided, single submitter. Criteria: Invitae Variant Classification Sherloc (09022015). Collection method: clinical testing. Allele origin: germline.
Comment: This sequence change replaces serine, which is neutral and polar, with phenylalanine, which is neutral and non-polar, at codon 708 of the BRCA1 protein (p.Ser708Phe). This variant is not present in population databases (gnomAD no frequency). This variant has not been reported in the literature in individuals affected with BRCA1-related conditions. ClinVar contains an entry for this variant (Variation ID: 91576). Invitae Evidence Modeling of protein sequence and biophysical properties (such as structural, functional, and spatial information, amino acid conservation, physicochemical variation, residue mobility, and thermodynamic stability) indicates that this missense variant is not expected to disrupt BRCA1 protein function with a negative predictive value of 80%. In summary, the available evidence is currently insufficient to determine the role of this variant in disease. Therefore, it has been classified as a Variant of Uncertain Significance.

Quest Diagnostics Nichols Institute San Juan Capistrano
Classification: Uncertain significance. Last evaluated: 2025-10-29. Review status: criteria provided, single submitter. Criteria: Quest Diagnostics criteria. Collection method: clinical testing. Allele origin: unknown.
Comment: The BRCA1 c.2123C>T (p.Ser708Phe) variant has been identified in an individual with breast cancer as well as in a reportedly unaffected individual in a case-control study (PMID: 33471991 (2021), see LOVD), and described to be located in a region of the BRCA1 gene that is tolerant to missense sequence changes (PMID: 31911673 (2020)). This variant has not been reported in large, multi-ethnic general populations (Genome Aggregation Database). Analysis of this variant using bioinformatics tools for the prediction of the effect of amino acid changes on protein structure and function yielded predictions that this variant is benign. Based on the available information, we are unable to determine the clinical significance of this variant.

PreventionGenetics, part of Exact Sciences
Classification: Uncertain significance for BRCA1-related condition. Last evaluated: 2025-09-24. Review status: criteria provided, single submitter. Criteria: ACMG Guidelines, 2015. Collection method: clinical testing. Allele origin: germline.
Comment: The BRCA1 c.2123C>T variant is predicted to result in the amino acid substitution p.Ser708Phe. To our knowledge, this variant has not been reported in the literature or in a large population database (gnomAD), indicating this variant is rare. This variant has conflicting interpretations of likely benign and uncertain significance in ClinVar (Variation ID: 91576). This variant occurs within a region of the BRCA1 gene that is predicted to be tolerant to variation (Table 2, Dines et al. 2020. PubMed ID: 31911673). At this time, the clinical significance of this variant is uncertain due to the absence of conclusive functional and genetic evidence.

Women's Health and Genetics/Laboratory Corporation of America, LabCorp
Classification: Uncertain significance. Last evaluated: 2023-06-15. Review status: criteria provided, single submitter. Criteria: LabCorp Variant Classification Summary - May 2015. Collection method: clinical testing. Allele origin: germline.
Comment: Variant summary: BRCA1 c.2123C>T (p.Ser708Phe) results in a non-conservative amino acid change in the encoded protein sequence. Four of five in-silico tools predict a benign effect of the variant on protein function. The variant was absent in 251170 control chromosomes (gnomAD). The available data on variant occurrences in the general population are insufficient to allow any conclusion about variant significance. To our knowledge, no occurrence of c.2123C>T in individuals affected with Hereditary Breast And Ovarian Cancer Syndrome and no experimental evidence demonstrating its impact on protein function have been reported. Eight submitters have provided clinical-significance assessments for this variant to ClinVar after 2014 and classified the variant as either VUS (n=5) or likely benign (n=3). Based on the evidence outlined above, the variant was classified as uncertain significance.

University of Washington Department of Laboratory Medicine, University of Washington
Classification: Likely benign for Hereditary cancer-predisposing syndrome. Last evaluated: 2023-03-23. Review status: criteria provided, single submitter. Criteria: Dines et al. (Genet Med. 2020). Collection method: curation. Allele origin: germline.
Comment: Missense variant in a coldspot region where missense variants are very unlikely to be pathogenic (PMID:31911673).

BRCA1 coldspot (exon 11 using historical exon numbering). Reclassification based on statistical prior probability

ARUP Laboratories, Molecular Genetics and Genomics, ARUP Laboratories
Classification: Uncertain significance. Last evaluated: 2022-01-12. Review status: criteria provided, single submitter. Criteria: ARUP Molecular Germline Variant Investigation Process 2021. Collection method: clinical testing. Allele origin: germline.
Comment: The BRCA1 c.2123C>T; p.Ser708Phe variant (rs80357182), to our knowledge, is not reported in the medical literature but is reported in ClinVar (Variation ID: 91576). This variant is absent from the Genome Aggregation Database, indicating it is not a common polymorphism. The serine at codon 708 is weakly conserved, but computational analyses are uncertain whether this variant is neutral or deleterious (REVEL: 0.226). A different missense variant at the same serine codon (p.Ser708Tyr) is shown to be non-pathogenic by in vitro functional assays (Bouwman 2020), although it is classified by most sources as a variant of uncertain significance in ClinVar (Variation ID: 37447). Due to limited information, the clinical significance of the p.Ser708Phe variant is uncertain at this time. References: Bouwman P et al. Functional Categorization of BRCA1 Variants of Uncertain Clinical Significance in Homologous Recombination Repair Complementation Assays. Clin Cancer Res. 2020 Sep 1;26(17):4559-4568. PMID: 32546644

GeneDx
Classification: Uncertain significance. Last evaluated: 2020-09-04. Review status: criteria provided, single submitter. Criteria: GeneDx Variant Classification Process June 2021. Collection method: clinical testing. Allele origin: germline. Affected: yes.
Comment: Not observed in large population cohorts (Lek et al., 2016); In silico analysis supports that this missense variant does not alter protein structure/function; Has not been previously published as pathogenic or benign to our knowledge; Also known as 2242C>T

Ambry Genetics
Classification: Likely benign for Hereditary cancer-predisposing syndrome. Last evaluated: 2018-08-24. Review status: criteria provided, single submitter. Criteria: Ambry Variant Classification Scheme 2023. Collection method: clinical testing. Allele origin: germline.

Color Diagnostics, LLC DBA Color Health
Classification: Likely benign for Hereditary cancer-predisposing syndrome. Last evaluated: 2017-08-14. Review status: criteria provided, single submitter. Criteria: ACMG Guidelines, 2015. Collection method: clinical testing. Allele origin: germline.

Counsyl
Classification: Uncertain significance for Breast-ovarian cancer, familial, susceptibility to, 1. Last evaluated: 2016-05-27. Review status: no assertion criteria provided. Collection method: clinical testing. Allele origin: unknown. Not counted in ClinVar's aggregate classification.

Sharing Clinical Reports Project (SCRP)
Classification: Uncertain significance for Breast-ovarian cancer, familial 1. Last evaluated: 2012-03-02. Review status: no assertion criteria provided. Collection method: clinical testing. Allele origin: germline. Not counted in ClinVar's aggregate classification.

Literature cited by the submitters: PubMed 31911673 (cited by Quest Diagnostics Nichols Institute San Juan Capistrano); PubMed 33471991 (cited by Quest Diagnostics Nichols Institute San Juan Capistrano).

NM_007294.4(BRCA1):c.2123C>T (p.Ser708Phe)

Gene: BRCA1 (BRCA1 DNA repair associated; minus strand). Cytogenetic location: 17q21.31.
Variant type: single nucleotide variant.
Coding change: c.2123C>T on transcript NM_007294.4 (MANE Select); coding-DNA position 2123, C replaced by T.
Protein change: p.Ser708Phe; replaces serine 708 with phenylalanine.
Molecular consequence: missense variant. On other transcripts: intron variant (137).
Genome position (GRCh38, 1-based): chr17:43,093,408, G>A on the plus strand (C>T on the coding strand, the complement: BRCA1 is on the minus strand). VCF-style: chr17-43093408-G-A. GRCh37 (hg19) VCF-style: chr17-41245425-G-A.
Other names: 2242C>T; c.2123C>T, p.Ser708Phe (NM_001407598.1, NM_001407602.1, NM_001407603.1 and 30 more transcripts); c.2120C>T, p.Ser707Phe (NM_001407610.1, NM_001407611.1, NM_001407612.1 and 22 more transcripts); c.2114C>T, p.Ser705Phe (NM_001407646.1, NM_001407647.1); c.2000C>T, p.Ser667Phe (NM_001407648.1, NM_001407664.1, NM_001407665.1 and 19 more transcripts); c.1997C>T, p.Ser666Phe (NM_001407649.1, NM_001407670.1, NM_001407671.1 and 11 more transcripts); c.2045C>T, p.Ser682Phe (NM_001407653.1, NM_001407654.1, NM_001407655.1 and 4 more transcripts); c.1982C>T, p.Ser661Phe (NM_001407728.1, NM_001407729.1, NM_001407730.1 and 29 more transcripts); and 42 more; short protein forms S708F, S661F, S580F, S596F, S597F, S667F, S707F, S412F.
Identifiers: ClinVar variation 91576 (VCV000091576.31), dbSNP rs80357182, ClinGen allele CA001414.